The following is an entry in ClinVar:

NM_012309.5(SHANK2):c.1492G>A (p.Gly498Arg)

Gene: SHANK2 (SH3 and multiple ankyrin repeat domains 2; minus strand). Cytogenetic location: 11q13.4.
Variant type: single nucleotide variant.
Coding change: c.1492G>A on transcript NM_012309.5 (MANE Select); coding-DNA position 1492, G replaced by A.
Protein change: p.Gly498Arg; replaces glycine 498 with arginine.
Molecular consequence: missense variant.
Genome position (GRCh38, 1-based): chr11:70,820,365, C>T on the plus strand (G>A on the coding strand, the complement: SHANK2 is on the minus strand). VCF-style: chr11-70820365-C-T. GRCh37 (hg19) VCF-style: chr11-70666470-C-T.
Other names: c.355G>A, p.Gly119Arg (NM_001379226.1); short protein forms G119R, G498R.
Identifiers: ClinVar variation 3239288 (VCV003239288.19), dbSNP rs536813247.
Genomic context (GRCh38, chr11:70,820,365, plus strand): 5'-GGAGCTGGGACCCCCAGCACGTGGCGGTCTTCCTTCCCTTGGCGTCTGCCACTCCTTACC[C>T]GACATGCCAGAGAGGCTGCGGCCTCTTGCCGTCCTCGCCTGCGCCGCCCAGCCTGTTGAG-3'
Protein context (NP_036441.2, residues 488-508): GKRPQPLWHV[Gly498Arg]SPFALGANKD

ClinVar aggregate classification (germline): Likely benign (1 of 4 stars; one submission).

Allele frequency attached by ClinVar (database versions not stated): gnomAD 0.00001; TOPMed 0.00002; gnomAD exomes 0.00004; 1000 Genomes Project 30x 0.00016; 1000 Genomes Project 0.00020.
gnomAD v4.1: 23 of 629,774 alleles (0.0037%); highest among the groups gnomAD compares: South Asian, 0.039%; no homozygotes.

Submission:

CeGaT Center for Human Genetics Tuebingen
Classification: Likely benign. Last evaluated: 2024-05-01. Review status: criteria provided, single submitter. Criteria: CeGaT Center For Human Genetics Tuebingen Variant Classification Criteria Version 2. Collection method: clinical testing. Allele origin: germline. Affected: yes. Observed: 1 variant allele.
Comment: SHANK2: BS2